The following is an entry in ClinVar:

NM_001130438.3(SPTAN1):c.2606A>G (p.Asn869Ser)

Gene: SPTAN1 (spectrin alpha, non-erythrocytic 1; plus strand). Cytogenetic location: 9q34.11.
Variant type: single nucleotide variant.
Coding change: c.2606A>G on transcript NM_001130438.3 (MANE Select); coding-DNA position 2606, A replaced by G.
Protein change: p.Asn869Ser; replaces asparagine 869 with serine.
Molecular consequence: missense variant.
Genome position (GRCh38, 1-based): chr9:128,585,793, A>G. VCF-style: chr9-128585793-A-G. GRCh37 (hg19) VCF-style: chr9-131348072-A-G.
Other names: c.2606A>G, p.Asn869Ser (NM_001195532.2, NM_001363759.2, NM_001363765.2 and 5 more transcripts); c.2642A>G, p.Asn881Ser (NM_001375312.2, NM_001375318.1); short protein forms N869S, N881S.
Identifiers: ClinVar variation 1714826 (VCV001714826.5), dbSNP rs2541238702, ClinGen allele CA375058139.

ClinVar aggregate classification (germline): Uncertain significance (1 of 4 stars; one submission).

Conditions:
Early-infantile DEE. Also called: Early infantile epileptic encephalopathy with suppression bursts; Early infantile epileptic encephalopathy; Ohtahara syndrome. Identifiers: Orphanet 1934, MedGen C0393706, MONDO:0800491.

Allele frequency attached by ClinVar (database versions not stated): gnomAD exomes below 0.00001.
gnomAD v4.1: 1 of 1,614,226 alleles (0.000062%); highest among the groups gnomAD compares: Non-Finnish European, 0.000085%; no homozygotes.

Submission:

Labcorp Genetics (formerly Invitae), Labcorp
Classification: Uncertain significance for Early-infantile DEE. Last evaluated: 2022-11-03. Review status: criteria provided, single submitter. Criteria: Invitae Variant Classification Sherloc (09022015). Collection method: clinical testing. Allele origin: germline.
Comment: This sequence change replaces asparagine, which is neutral and polar, with serine, which is neutral and polar, at codon 869 of the SPTAN1 protein (p.Asn869Ser). This variant is not present in population databases (gnomAD no frequency). This variant has not been reported in the literature in individuals affected with SPTAN1-related conditions. Algorithms developed to predict the effect of missense changes on protein structure and function (SIFT, PolyPhen-2, Align-GVGD) all suggest that this variant is likely to be tolerated. In summary, the available evidence is currently insufficient to determine the role of this variant in disease. Therefore, it has been classified as a Variant of Uncertain Significance.